The following is an entry in ClinVar:

ClinVar aggregate classification (germline): Pathogenic/Likely pathogenic. Review status: criteria provided, multiple submitters, no conflicts (2 of 4 stars). 10 submissions from 10 submitters: Pathogenic (6); Likely pathogenic (2). 2 of the submissions do not count toward it. Last evaluated 2025-09-26.

Conditions:
Congenital myopathy 23 (CMYO23). Also called: NEMALINE MYOPATHY 4; CAP MYOPATHY 2; Nemaline myopathy 4, autosomal dominant. Identifiers: MedGen C1836447, MONDO:0012240, OMIM 609285.
Arthrogryposis, distal, type 1A. Also called: ARTHROGRYPOSIS MULTIPLEX CONGENITA, DISTAL, TYPE I. Identifiers: Orphanet 1146, MedGen C6022280, MONDO:0007157, OMIM 108120.
TPM2-related disorder. Also called: TPM2-related disorders; TPM2-related condition.
TPM2-related myopathy. Identifiers: MedGen CN294818, MONDO:0100196.

Submissions (10):

GeneDx
Classification: Pathogenic. Last evaluated: 2025-09-26. Review status: criteria provided, single submitter. Criteria: GeneDx Variant Classification Process June 2021. Collection method: clinical testing. Allele origin: germline. Affected: yes.
Comment: Previously reported in the heterozygous state in two individuals with distal arthyrogryposis and/or congenital myopathy (PMID: 24692096); Missense variants in this gene are a common cause of disease and they are underrepresented in the general population; In silico analysis supports that this missense variant has a deleterious effect on protein structure/function; Not observed at significant frequency in large population cohorts (gnomAD); This variant is associated with the following publications: (PMID: 38071834, 24692096, 23401156)

PreventionGenetics, part of Exact Sciences
Classification: Pathogenic for TPM2-related condition. Last evaluated: 2025-01-23. Review status: criteria provided, single submitter. Criteria: ACMG Guidelines, 2015. Collection method: clinical testing. Allele origin: germline.
Comment: The TPM2 c.782A>G variant is predicted to result in the amino acid substitution p.Tyr261Cys. This variant has been reported to occur de novo in a patient with distal arthrogryposis type 2B (Beck et al. 2013. PubMed ID: 23401156). The c.782A>G variant was also reported in an additional patient with distal arthrogryposis syndrome (Marttila et al. 2014. PubMed ID: 24692096). At PreventionGenetics, we have observed this variant in other patients with features of distal arthrogryposis and have confirmed it to occur de novo in two patients (internal data). This variant has not been reported in a large population database (gnomAD), indicating this variant is rare. This variant is interpreted as pathogenic.

Genomic Medicine Center of Excellence, King Faisal Specialist Hospital and Research Centre
Classification: Likely pathogenic for Congenital myopathy 23. Last evaluated: 2024-12-19. Review status: criteria provided, single submitter. Criteria: ACMG Guidelines, 2015. Collection method: clinical testing. Allele origin: germline.

Women's Health and Genetics/Laboratory Corporation of America, LabCorp
Classification: Pathogenic for Congenital myopathy 23. Last evaluated: 2024-10-22. Review status: criteria provided, single submitter. Criteria: LabCorp Variant Classification Summary - May 2015. Collection method: clinical testing. Allele origin: germline.
Comment: Variant summary: TPM2 c.782A>G (p.Tyr261Cys) results in a non-conservative amino acid change in the encoded protein sequence. Four of five in-silico tools predict a damaging effect of the variant on protein function. The frequency data for this variant in gnomAD is considered unreliable, as metrics indicate poor data quality at this position. c.782A>G has been reported in the literature as de novo in at least three individuals affected with Nemaline Myopathy 4 (Beck_2013, Yu_2024, Marttila_2014). These data indicate that the variant is very likely associated with disease. To our knowledge, no experimental evidence demonstrating an impact on protein function has been reported. The following publications have been ascertained in the context of this evaluation (PMID: 23401156, 24692096, 38071834). ClinVar contains an entry for this variant (Variation ID: 977300). Based on the evidence outlined above, the variant was classified as pathogenic.

Illumina Laboratory Services, Illumina
Classification: Likely pathogenic for TPM2-related myopathy. Last evaluated: 2023-09-06. Review status: criteria provided, single submitter. Criteria: ICSLVariantClassificationCriteria RUGD 01 April 2020. Collection method: clinical testing. Allele origin: unknown.
Comment: The TPM2 c.782A>G (p.Tyr261Cys) missense variant has been identified in at least three individuals with congenital myopathy/distal arthrogryposis type 1, with at least one individual noted to have a de novo occurrence of the variant (PMID: 23401156; 24692096). This variant is not observed in version 2.1.1 or version 3.1.2 of the Genome Aggregation Database. Computational evidence suggests the variant may impact the gene or gene product. This variant has been shown to segregate with disease. Based on the available evidence, the c.782A>G (p.Tyr261Cys) variant is classified as likely pathogenic for TPM2-related myopathy.

Blueprint Genetics
Classification: Pathogenic for TPM2-related disorders. Last evaluated: 2022-08-16. Review status: criteria provided, single submitter. Criteria: ACMG Guidelines, 2015. Collection method: clinical testing. Allele origin: de novo. Affected: yes. Observed: 5 variant alleles.

Breda Genetics srl
Classification: Pathogenic for Arthrogryposis, distal, type 1A; Congenital myopathy 23. Last evaluated: 2020-07-28. Review status: criteria provided, single submitter. Criteria: ACMG Guidelines, 2015. Collection method: clinical testing. Allele origin: germline. Inheritance: Autosomal dominant inheritance. Affected: yes. Observed: 1 variant allele, 1 heterozygote.
Comment: The variant c.782A>G (p.Tyr261Cys) in TPM2 has been reported by Beck et al. (2013) in a sporadic case of distal arthrogryposis type 2B (PMID: 23401156). The variant is reported as â€œaffects functionâ€ in the Global Variome shared LOVD database v.3.0. This variant has not been reported in dbSNP, gnomAD, 1000 Genomes, NHLBI Exome Sequencing Project (ESP) or ClinVar. The nucleotide position is conserved across 35 mammalian species (GERP RS: 4.98).

Neuberg Centre For Genomic Medicine, NCGM
Classification: Pathogenic for Arthrogryposis, distal, type 1A. Review status: criteria provided, single submitter. Criteria: ACMG Guidelines, 2015. Collection method: clinical testing. Allele origin: germline. Inheritance: Autosomal dominant inheritance. Affected: yes.
Comment: The above variant has been previously reported in inidividuals with Arthrogryposis and TPM2 related disorders (Marttila M, et al., 2014; Beck AE, et al., 2013 ). This variant has been shown to segregate with disease (Beck AE, et al., 2013). For these reason, this variant has been classified as Pathogenic

Joint Genome Diagnostic Labs from Nijmegen and Maastricht, Radboudumc and MUMC+
Classification: Likely pathogenic. Review status: no assertion criteria provided. Collection method: clinical testing. Allele origin: germline. Affected: yes. Study: VKGL Data-share Consensus. Not counted in ClinVar's aggregate classification.

Laboratory of Diagnostic Genome Analysis, Leiden University Medical Center (LUMC)
Classification: Pathogenic. Review status: no assertion criteria provided. Collection method: clinical testing. Allele origin: germline. Affected: yes. Study: VKGL Data-share Consensus. Not counted in ClinVar's aggregate classification.

Literature cited by the submitters: PubMed 23401156 (cited by Women's Health and Genetics/Laboratory Corporation of America, LabCorp and Illumina Laboratory Services, Illumina); PubMed 24692096 (cited by Women's Health and Genetics/Laboratory Corporation of America, LabCorp and Illumina Laboratory Services, Illumina); PubMed 38071834 (cited by Women's Health and Genetics/Laboratory Corporation of America, LabCorp).

NM_003289.4(TPM2):c.782A>G (p.Tyr261Cys)

Gene: TPM2 (tropomyosin 2; minus strand). Cytogenetic location: 9p13.3.
Variant type: single nucleotide variant.
Coding change: c.782A>G on transcript NM_003289.4 (MANE Select); coding-DNA position 782, A replaced by G.
Protein change: p.Tyr261Cys; replaces tyrosine 261 with cysteine.
Molecular consequence: missense variant. On other transcripts: intron variant (2).
Genome position (GRCh38, 1-based): chr9:35,683,232, T>C on the plus strand (A>G on the coding strand, the complement: TPM2 is on the minus strand). VCF-style: chr9-35683232-T-C. GRCh37 (hg19) VCF-style: chr9-35683229-T-C.
Other names: c.782A>G, p.Tyr261Cys (NM_001301227.2); c.772+1014A>G (NM_213674.1, NM_001301226.2); short protein forms Y261C.
Identifiers: ClinVar variation 977300 (VCV000977300.18), dbSNP rs1824676022, ClinGen allele CA373363229.